The following is an entry in ClinVar:

ClinVar aggregate classification (germline): Uncertain significance. Review status: criteria provided, multiple submitters, no conflicts (2 of 4 stars). 2 submissions from 2 submitters: Uncertain significance (2). Last evaluated 2026-06-25.

Conditions:
Hereditary cancer-predisposing syndrome. Also called: Neoplastic Syndromes, Hereditary; Hereditary Cancer Syndrome; Hereditary neoplastic syndrome; Tumor predisposition. Identifiers: Orphanet 140162, MedGen C0027672, MeSH D009386, MONDO:0015356.
Familial cancer of breast. Also called: hereditary breast carcinoma; BREAST CANCER, FAMILIAL; Hereditary breast cancer. Identifiers: Orphanet 227535, MedGen C0346153, MONDO:0016419, OMIM 114480. Disease mechanism: loss of function.

Submissions (2):

Ambry Genetics
Classification: Uncertain significance for Hereditary cancer-predisposing syndrome. Last evaluated: 2026-06-25. Review status: criteria provided, single submitter. Criteria: Ambry Variant Classification Scheme 2023. Collection method: clinical testing. Allele origin: germline.
Comment: The p.P864T variant (also known as c.2590C>A), located in coding exon 7 of the PALB2 gene, results from a C to A substitution at nucleotide position 2590. The proline at codon 864 is replaced by threonine, an amino acid with highly similar properties. This amino acid position is not well conserved in available vertebrate species. In addition, this alteration is predicted to be tolerated by in silico analysis. Based on the available evidence, the clinical significance of this variant remains unclear.

Labcorp Genetics (formerly Invitae), Labcorp
Classification: Uncertain significance for Familial cancer of breast. Last evaluated: 2025-08-17. Review status: criteria provided, single submitter. Criteria: Invitae Variant Classification Sherloc (09022015). Collection method: clinical testing. Allele origin: germline.
Comment: This sequence change replaces proline, which is neutral and non-polar, with threonine, which is neutral and polar, at codon 864 of the PALB2 protein (p.Pro864Thr). This variant is not present in population databases (gnomAD no frequency). This variant has not been reported in the literature in individuals affected with PALB2-related conditions. ClinVar contains an entry for this variant (Variation ID: 572654). Invitae Evidence Modeling of protein sequence and biophysical properties (such as structural, functional, and spatial information, amino acid conservation, physicochemical variation, residue mobility, and thermodynamic stability) indicates that this missense variant is not expected to disrupt PALB2 protein function with a negative predictive value of 80%. Algorithms developed to predict the effect of sequence changes on RNA splicing suggest that this variant may disrupt the consensus splice site. In summary, the available evidence is currently insufficient to determine the role of this variant in disease. Therefore, it has been classified as a Variant of Uncertain Significance.

NM_024675.4(PALB2):c.2590C>A (p.Pro864Thr)

Gene: PALB2 (partner and localizer of BRCA2; minus strand). Cytogenetic location: 16p12.2.
Variant type: single nucleotide variant.
Coding change: c.2590C>A on transcript NM_024675.4 (MANE Select); coding-DNA position 2590, C replaced by A.
Protein change: p.Pro864Thr; replaces proline 864 with threonine.
Molecular consequence: missense variant.
Genome position (GRCh38, 1-based): chr16:23,626,394, G>T on the plus strand (C>A on the coding strand, the complement: PALB2 is on the minus strand). VCF-style: chr16-23626394-G-T. GRCh37 (hg19) VCF-style: chr16-23637715-G-T.
Other names: short protein forms P864T.
Identifiers: ClinVar variation 572654 (VCV000572654.12), dbSNP rs45568339, ClinGen allele CA395122273.
Genomic context (GRCh38, chr16:23,626,394, plus strand): 5'-CTTTACAACCGGCTCTTTCCCAAAACATGGCACTCACATCTACGGAACAGGAACCTGAAG[G>T]ATTCTGACACAATGGCAACAGTTCTGTTAAAGTGGCACTCGAGTGCTGTTTTATGCAAAG-3'
Protein context (NP_078951.2, residues 854-874): NLQLVSELKN[Pro864Thr]SGSCSVDVSA